The following is an entry in ClinVar:

NM_022787.4(NMNAT1):c.282_283del (p.Glu94fs)

Gene: NMNAT1 (nicotinamide nucleotide adenylyltransferase 1; plus strand). Cytogenetic location: 1p36.22.
Variant type: Microsatellite.
Coding change: c.282_283del on transcript NM_022787.4 (MANE Select); coding-DNA positions 282 to 283, 2 bases deleted (GA; older notation c.282_283delGA).
Protein change: p.Glu94fs; shifts the reading frame from glutamic acid 94.
Molecular consequence: frameshift variant.
Genome position (GRCh38, 1-based): chr1:9,975,758-9,975,759, GA deleted; deleting any 2 consecutive bases within chr1:9,975,755-9,975,759 gives the same sequence; the c. name uses the placement nearest the transcript's 3' end. VCF-style (leftmost placement, unchanged base first): chr1-9975754-AAG-A. GRCh37 (hg19) VCF-style: chr1-10035812-AAG-A.
Other names: c.282_283del, p.Glu94fs (NM_001297778.1, NM_001297779.2); short protein forms E94fs.
Identifiers: ClinVar variation 2856865 (VCV002856865.3), dbSNP rs768346864, ClinGen allele CA579187.

ClinVar aggregate classification (germline): Pathogenic (1 of 4 stars; one submission).

Conditions:
Leber congenital amaurosis 9 (LCA9). Also called: LCA9 Leber Congenital Amaurosis; LCA 9; Amaurosis congenita of Leber, type 9. Identifiers: Orphanet 65, MedGen C1837873, MONDO:0012056, OMIM 608553.

Submission:

Labcorp Genetics (formerly Invitae), Labcorp
Classification: Pathogenic for Leber congenital amaurosis 9. Last evaluated: 2023-04-16. Review status: criteria provided, single submitter. Criteria: Invitae Variant Classification Sherloc (09022015). Collection method: clinical testing. Allele origin: germline.
Comment: This sequence change creates a premature translational stop signal (p.Glu94Aspfs*15) in the NMNAT1 gene. It is expected to result in an absent or disrupted protein product. Loss-of-function variants in NMNAT1 are known to be pathogenic (PMID: 22842229). For these reasons, this variant has been classified as Pathogenic. This variant has not been reported in the literature in individuals affected with NMNAT1-related conditions. This variant is present in population databases (rs768346864, gnomAD 0.0009%).

Literature cited by the submitters: PubMed 22842229.